The following is an entry in ClinVar:

NM_020232.5(PSMG2):c.526G>A (p.Glu176Lys)

Gene: PSMG2 (proteasome assembly chaperone 2; plus strand). Cytogenetic location: 18p11.21.
Variant type: single nucleotide variant.
Coding change: c.526G>A on transcript NM_020232.5 (MANE Select); coding-DNA position 526, G replaced by A.
Protein change: p.Glu176Lys; replaces glutamic acid 176 with lysine.
Molecular consequence: missense variant.
Genome position (GRCh38, 1-based): chr18:12,720,628, G>A. VCF-style: chr18-12720628-G-A. GRCh37 (hg19) VCF-style: chr18-12720627-G-A.
Other names: c.433G>A, p.Glu145Lys (NM_147163.2); short protein forms E145K, E176K.
Identifiers: ClinVar variation 1372720 (VCV001372720.6), dbSNP rs896181365, ClinGen allele CA296723824.

ClinVar aggregate classification (germline): Uncertain significance (1 of 4 stars; one submission).

Allele frequency attached by ClinVar (database versions not stated): TOPMed below 0.00001; gnomAD exomes 0.00001.
gnomAD v4.1: 7 of 1,613,862 alleles (0.00043%); highest among the groups gnomAD compares: South Asian, 0.0022%; no homozygotes.

Submission:

Labcorp Genetics (formerly Invitae), Labcorp
Classification: Uncertain significance. Last evaluated: 2021-10-21. Review status: criteria provided, single submitter. Criteria: Invitae Variant Classification Sherloc (09022015). Collection method: clinical testing. Allele origin: germline.
Comment: This sequence change replaces glutamic acid with lysine at codon 176 of the PSMG2 protein (p.Glu176Lys). The glutamic acid residue is highly conserved and there is a small physicochemical difference between glutamic acid and lysine. This variant is not present in population databases (ExAC no frequency). This variant has not been reported in the literature in individuals affected with PSMG2-related conditions. Algorithms developed to predict the effect of missense changes on protein structure and function are either unavailable or do not agree on the potential impact of this missense change (SIFT: "Deleterious"; PolyPhen-2: "Possibly Damaging"; Align-GVGD: "Class C0"). In summary, the available evidence is currently insufficient to determine the role of this variant in disease. Therefore, it has been classified as a Variant of Uncertain Significance.